The following is an entry in ClinVar:

ClinVar aggregate classification (germline): Benign/Likely benign. Review status: criteria provided, multiple submitters, no conflicts (2 of 4 stars). 4 submissions from 4 submitters: Benign (2); Likely benign (1). 1 of the submissions does not count toward it. Last evaluated 2026-01-27.

Conditions:
LAMB1-related disorder. Also called: LAMB1-related condition.

Allele frequency attached by ClinVar (database versions not stated): ESP Exome Variant Server 0.00238; gnomAD 0.00242; TOPMed 0.00287; 1000 Genomes Project 30x 0.00328; 1000 Genomes Project 0.00339; ExAC 0.00093.
gnomAD v4.1: 802 of 1,614,106 alleles (0.05%); highest among the groups gnomAD compares: African/African-American, 0.96%; 4 homozygotes.

Submissions (4):

Labcorp Genetics (formerly Invitae), Labcorp
Classification: Benign. Last evaluated: 2026-01-27. Review status: criteria provided, single submitter. Criteria: Invitae Variant Classification Sherloc (09022015). Collection method: clinical testing. Allele origin: germline.

GeneDx
Classification: Likely benign. Last evaluated: 2021-01-30. Review status: criteria provided, single submitter. Criteria: GeneDx Variant Classification Process June 2021. Collection method: clinical testing. Allele origin: germline. Affected: yes.

Genetic Services Laboratory, University of Chicago
Classification: Benign. Last evaluated: 2017-10-24. Review status: criteria provided, single submitter. Criteria: ACMG Guidelines, 2015. Collection method: clinical testing. Allele origin: germline. Affected: no.

PreventionGenetics, part of Exact Sciences
Classification: Likely benign for LAMB1-related condition. Last evaluated: 2019-09-09. Review status: no assertion criteria provided. Collection method: clinical testing. Allele origin: germline. Not counted in ClinVar's aggregate classification.
Comment: This variant is classified as likely benign based on ACMG/AMP sequence variant interpretation guidelines (Richards et al. 2015 PMID: 25741868, with internal and published modifications).

NM_002291.3(LAMB1):c.2113G>C (p.Val705Leu)

Gene: LAMB1 (laminin subunit beta 1; minus strand). Cytogenetic location: 7q31.1.
Variant type: single nucleotide variant.
Coding change: c.2113G>C on transcript NM_002291.3 (MANE Select); coding-DNA position 2113, G replaced by C.
Protein change: p.Val705Leu; replaces valine 705 with leucine.
Molecular consequence: missense variant.
Genome position (GRCh38, 1-based): chr7:107,960,646, C>G on the plus strand (G>C on the coding strand, the complement: LAMB1 is on the minus strand). VCF-style: chr7-107960646-C-G. GRCh37 (hg19) VCF-style: chr7-107601091-C-G.
Other names: short protein forms V705L.
Identifiers: ClinVar variation 514979 (VCV000514979.17), dbSNP rs34150332, ClinGen allele CA4435731.